The following is an entry in ClinVar:

NM_001355436.2(SPTB):c.542T>A (p.Leu181Ter)

Gene: SPTB (spectrin beta, erythrocytic; minus strand). Cytogenetic location: 14q23.3.
Variant type: single nucleotide variant.
Coding change: c.542T>A on transcript NM_001355436.2 (MANE Select); coding-DNA position 542, T replaced by A.
Protein change: p.Leu181Ter; replaces leucine 181 with a stop codon.
Molecular consequence: nonsense.
Genome position (GRCh38, 1-based): chr14:64,802,250, A>T on the plus strand (T>A on the coding strand, the complement: SPTB is on the minus strand). VCF-style: chr14-64802250-A-T. GRCh37 (hg19) VCF-style: chr14-65268968-A-T.
Other names: c.542T>A, p.Leu181Ter (NM_001024858.4, NM_001355437.2); short protein forms L181*.
Identifiers: ClinVar variation 1163560 (VCV001163560.5), dbSNP rs2139632228, ClinGen allele CA390032559.

ClinVar aggregate classification (germline): Likely pathogenic (1 of 4 stars; one submission).

Submission:

Mayo Clinic Laboratories, Mayo Clinic
Classification: Likely pathogenic. Last evaluated: 2019-07-11. Review status: criteria provided, single submitter. Criteria: ACMG Guidelines, 2015. Collection method: clinical testing. Allele origin: germline. Observed: 1 variant allele.
Comment: PVS1, PM2